The following is an entry in ClinVar:

ClinVar aggregate classification (germline): Uncertain significance (1 of 4 stars; one submission).

Conditions:
Primary familial hypertrophic cardiomyopathy (HCM). Identifiers: Orphanet 99739, MedGen C0949658, MeSH D024741, MONDO:0024573. Inheritance: Various modes of inheritance.
Dilated cardiomyopathy 1AA (CMD1AA). Also called: CARDIOMYOPATHY, DILATED, 1AA, WITH OR WITHOUT LEFT VENTRICULAR NONCOMPACTION; CARDIOMYOPATHY, FAMILIAL HYPERTROPHIC, 23, WITH OR WITHOUT LEFT VENTRICULAR NONCOMPACTION; Cardiomyopathy, dilated, 1AA, with or without LVNC. Identifiers: Orphanet 154, MedGen C2677338, MONDO:0012808, OMIM 612158.

Allele frequency attached by ClinVar (database versions not stated): gnomAD exomes below 0.00001.
gnomAD v4.1: 1 of 1,613,910 alleles (0.000062%); highest among the groups gnomAD compares: South Asian, 0.0011%; no homozygotes.

Submission:

Labcorp Genetics (formerly Invitae), Labcorp
Classification: Uncertain significance for Primary familial hypertrophic cardiomyopathy; Dilated cardiomyopathy 1AA. Last evaluated: 2023-06-02. Review status: criteria provided, single submitter. Criteria: Invitae Variant Classification Sherloc (09022015). Collection method: clinical testing. Allele origin: germline.
Comment: This sequence change replaces threonine, which is neutral and polar, with isoleucine, which is neutral and non-polar, at codon 609 of the ACTN2 protein (p.Thr609Ile). This variant is not present in population databases (gnomAD no frequency). In summary, the available evidence is currently insufficient to determine the role of this variant in disease. Therefore, it has been classified as a Variant of Uncertain Significance. Advanced modeling of protein sequence and biophysical properties (such as structural, functional, and spatial information, amino acid conservation, physicochemical variation, residue mobility, and thermodynamic stability) performed at Invitae indicates that this missense variant is not expected to disrupt ACTN2 protein function. This variant has not been reported in the literature in individuals affected with ACTN2-related conditions.

NM_001103.4(ACTN2):c.1826C>T (p.Thr609Ile)

Gene: ACTN2 (actinin alpha 2; plus strand). Cytogenetic location: 1q43.
Variant type: single nucleotide variant.
Coding change: c.1826C>T on transcript NM_001103.4 (MANE Select); coding-DNA position 1826, C replaced by T.
Protein change: p.Thr609Ile; replaces threonine 609 with isoleucine.
Molecular consequence: missense variant. On other transcripts: non-coding transcript variant (1).
Genome position (GRCh38, 1-based): chr1:236,751,639, C>T. VCF-style: chr1-236751639-C-T. GRCh37 (hg19) VCF-style: chr1-236914939-C-T.
Other names: c.1826C>T, p.Thr609Ile (NM_001278343.2); c.1202C>T, p.Thr401Ile (NM_001278344.2); c.1076C>T, p.Thr359Ile (NM_001412150.1); short protein forms T401I, T609I, T359I.
Identifiers: ClinVar variation 2945957 (VCV002945957.3), dbSNP rs1572143643, ClinGen allele CA345386436.